The following is an entry in ClinVar:

ClinVar aggregate classification (germline): Benign. Review status: criteria provided, single submitter (1 of 4 stars). 2 submissions from 2 submitters: Benign (1). 1 of the submissions does not count toward it. Last evaluated 2024-11-26.

Conditions:
EXO1-related disorder. Also called: EXO1-related condition.

Allele frequency attached by ClinVar (database versions not stated): 1000 Genomes Project 0.08986; 1000 Genomes Project 30x 0.09104; TOPMed 0.15145; ESP Exome Variant Server 0.17446.
gnomAD v4.1: 345,857 of 1,612,902 alleles (21%); highest among the groups gnomAD compares: Non-Finnish European, 25%; 41,084 homozygotes.

Submissions (2):

Blueprint Genetics
Classification: Benign. Last evaluated: 2024-11-26. Review status: criteria provided, single submitter. Criteria: ACMG Guidelines, 2015. Collection method: clinical testing. Allele origin: germline.

PreventionGenetics, part of Exact Sciences
Classification: Benign for EXO1-related condition. Last evaluated: 2019-10-21. Review status: no assertion criteria provided. Collection method: clinical testing. Allele origin: germline. Not counted in ClinVar's aggregate classification.
Comment: This variant is classified as benign based on ACMG/AMP sequence variant interpretation guidelines (Richards et al. 2015 PMID: 25741868, with internal and published modifications).

NM_130398.4(EXO1):c.1372G>A (p.Val458Met)

Gene: EXO1 (exonuclease 1; plus strand). Cytogenetic location: 1q43.
Variant type: single nucleotide variant.
Coding change: c.1372G>A on transcript NM_130398.4 (MANE Select); coding-DNA position 1372, G replaced by A.
Protein change: p.Val458Met; replaces valine 458 with methionine.
Molecular consequence: missense variant.
Genome position (GRCh38, 1-based): chr1:241,872,136, G>A. VCF-style: chr1-241872136-G-A. GRCh37 (hg19) VCF-style: chr1-242035438-G-A.
Other names: c.1369G>A, p.Val457Met (NM_001319224.2); c.1372G>A, p.Val458Met (NM_003686.4, NM_006027.4); short protein forms V457M, V458M.
Identifiers: ClinVar variation 3055545 (VCV003055545.3), dbSNP rs4149965, ClinGen allele CA1481334.